The following is an entry in ClinVar:

ClinVar aggregate classification (germline): Pathogenic (1 of 4 stars; one submission).

Conditions:
Merosin deficient congenital muscular dystrophy (MDC1A). Also called: Congenital merosin-deficient muscular dystrophy 1A; Congenital Muscular Dystrophy Type 1A (MDC1A). Identifiers: Orphanet 258, MedGen C1263858, MONDO:0011925, OMIM 607855.

Submission:

3billion
Classification: Pathogenic for Merosin deficient congenital muscular dystrophy. Last evaluated: 2023-09-12. Review status: criteria provided, single submitter. Criteria: ACMG Guidelines, 2015. Collection method: clinical testing. Allele origin: germline. Affected: yes.
Comment: The variant is not observed in the gnomAD v2.1.1 dataset. Predicted Consequence/Location: Frameshift: predicted to result in a loss or disruption of normal protein function through nonsense-mediated decay (NMD) or protein truncation. Multiple pathogenic variants are reported downstream of the variant. Therefore, this variant is classified as Pathogenic according to the recommendation of ACMG/AMP guideline.

NM_000426.4(LAMA2):c.7333del (p.Gln2445fs)

Gene: LAMA2 (laminin subunit alpha 2; plus strand). Cytogenetic location: 6q22.33.
Variant type: Deletion.
Coding change: c.7333del on transcript NM_000426.4 (MANE Select); coding-DNA position 7333, one base deleted (C; older notation c.7333delC).
Protein change: p.Gln2445fs; shifts the reading frame from glutamine 2445.
Molecular consequence: frameshift variant.
Genome position (GRCh38, 1-based): chr6:129,473,246, C deleted. VCF-style (leftmost placement, unchanged base first): chr6-129473245-TC-T. GRCh37 (hg19) VCF-style: chr6-129794390-TC-T.
Other names: c.7333del, p.Gln2445fs (NM_001079823.2); short protein forms Q2445fs.
Identifiers: ClinVar variation 3775977 (VCV003775977.1).